The following is an entry in ClinVar:

NM_000257.4(MYH7):c.3991C>G (p.His1331Asp)

Gene: MYH7 (myosin heavy chain 7; minus strand). Cytogenetic location: 14q11.2.
Variant type: single nucleotide variant.
Coding change: c.3991C>G on transcript NM_000257.4 (MANE Select); coding-DNA position 3991, C replaced by G.
Protein change: p.His1331Asp; replaces histidine 1331 with aspartic acid.
Molecular consequence: missense variant.
Genome position (GRCh38, 1-based): chr14:23,418,388, G>C on the plus strand (C>G on the coding strand, the complement: MYH7 is on the minus strand). VCF-style: chr14-23418388-G-C. GRCh37 (hg19) VCF-style: chr14-23887597-G-C.
Other names: c.3991C>G (LRG_384t1); short protein forms H1331D.
Identifiers: ClinVar variation 372604 (VCV000372604.1), dbSNP rs1057517881, ClinGen allele CA16042848.

ClinVar aggregate classification (germline): Likely pathogenic (1 of 4 stars; one submission).

Submission:

GeneDx
Classification: Likely pathogenic. Last evaluated: 2015-03-30. Review status: criteria provided, single submitter. Criteria: GeneDx Variant Classification (06012015). Collection method: clinical testing. Allele origin: germline. Affected: yes.
Comment: The H1331D variant has not been published as a pathogenic variant, nor has it been reported as a benign polymorphism to our knowledge. The H1331D variant was not observed in approximately 6500 individuals of European and African American ancestry in the NHLBI Exome Sequencing Project, indicating it is not a common benign variant in these populations. The H1331Dvariant is a non-conservative amino acid substitution, which is likely to impact secondary protein structure asthese residues differ in polarity, charge, size and/or other properties. This substitution occurs at a position thatis conserved across species and in silico analysis predicts this variant is probably damaging to the proteinstructure/function. Furthermore, missense variants in nearby residues (N1327K, A1332T, R1337Q) havebeen reported in the Human Gene Mutation Database in association with cardiomyopathy (Stenson et al.,2014), supporting the functional importance of this region of the protein. Therefore, this variant is a strong candidate for a pathogenic variant, however the possibility that it is a benign variant cannot be excluded.